The following is an entry in ClinVar:

ClinVar aggregate classification (germline): Uncertain significance (1 of 4 stars; one submission).

Conditions:
Saldino-Mainzer syndrome (SRTD9). Also called: CONORENAL SYNDROME; Renal dysplasia, retinal pigmentary dystrophy, cerebellar ataxia and skeletal dysplasia; SHORT-RIB THORACIC DYSPLASIA 9 WITHOUT POLYDACTYLY; short-rib thoracic dysplasia 9 with or without polydactyly. Identifiers: Orphanet 140969, MedGen C1849437, MONDO:0009964, OMIM 266920.

gnomAD v4.1: 2 of 1,611,616 alleles (0.00012%); highest among the groups gnomAD compares: South Asian, 0.0011%; no homozygotes.

Submission:

Labcorp Genetics (formerly Invitae), Labcorp
Classification: Uncertain significance for Saldino-Mainzer syndrome. Last evaluated: 2022-10-31. Review status: criteria provided, single submitter. Criteria: Invitae Variant Classification Sherloc (09022015). Collection method: clinical testing. Allele origin: germline.
Comment: ClinVar contains an entry for this variant (Variation ID: 1388751). This sequence change replaces threonine, which is neutral and polar, with alanine, which is neutral and non-polar, at codon 213 of the IFT140 protein (p.Thr213Ala). This variant is not present in population databases (gnomAD no frequency). This variant has not been reported in the literature in individuals affected with IFT140-related conditions. Algorithms developed to predict the effect of missense changes on protein structure and function (SIFT, PolyPhen-2, Align-GVGD) all suggest that this variant is likely to be tolerated. In summary, the available evidence is currently insufficient to determine the role of this variant in disease. Therefore, it has been classified as a Variant of Uncertain Significance.

NM_014714.4(IFT140):c.637A>G (p.Thr213Ala)

Genes: IFT140 (intraflagellar transport 140; minus strand), LOC105371046 (uncharacterized LOC105371046; plus strand). Cytogenetic location: 16p13.3.
Variant type: single nucleotide variant.
Coding change: c.637A>G on transcript NM_014714.4 (MANE Select); coding-DNA position 637, A replaced by G.
Protein change: p.Thr213Ala; replaces threonine 213 with alanine.
Molecular consequence: missense variant.
Genome position (GRCh38, 1-based): chr16:1,589,778, T>C on the plus strand (A>G on the coding strand, the complement: IFT140 is on the minus strand). VCF-style: chr16-1589778-T-C. GRCh37 (hg19) VCF-style: chr16-1639779-T-C.
Other names: short protein forms T213A.
Identifiers: ClinVar variation 1388751 (VCV001388751.6), dbSNP rs2141882480, ClinGen allele CA394219027.